The following is an entry in ClinVar:

ClinVar aggregate classification (germline): Likely benign (0 of 4 stars; one submission).

Conditions:
ARHGAP31-related disorder. Also called: ARHGAP31-related condition.

Allele frequency attached by ClinVar (database versions not stated): ExAC 0.00001.
gnomAD v4.1: 3 of 1,614,158 alleles (0.00019%); highest among the groups gnomAD compares: Non-Finnish European, 0.00025%; no homozygotes.

Submission:

PreventionGenetics, part of Exact Sciences
Classification: Likely benign for ARHGAP31-related condition. Last evaluated: 2021-04-02. Review status: no assertion criteria provided. Collection method: clinical testing. Allele origin: germline.
Comment: This variant is classified as likely benign based on ACMG/AMP sequence variant interpretation guidelines (Richards et al. 2015 PMID: 25741868, with internal and published modifications).

NM_020754.4(ARHGAP31):c.4236T>A (p.Pro1412=)

Gene: ARHGAP31 (Rho GTPase activating protein 31; plus strand). Cytogenetic location: 3q13.33.
Variant type: single nucleotide variant.
Coding change: c.4236T>A on transcript NM_020754.4 (MANE Select); coding-DNA position 4236, T replaced by A.
Protein change: p.Pro1412=; no amino-acid change (proline 1412 retained).
Molecular consequence: synonymous variant.
Genome position (GRCh38, 1-based): chr3:119,416,165, T>A. VCF-style: chr3-119416165-T-A. GRCh37 (hg19) VCF-style: chr3-119135012-T-A.
Identifiers: ClinVar variation 3030345 (VCV003030345.2), dbSNP rs777571167, ClinGen allele CA2554319.